The following is an entry in ClinVar:

ClinVar aggregate classification (germline): Uncertain significance. Review status: criteria provided, multiple submitters, no conflicts (2 of 4 stars). 3 submissions from 3 submitters: Uncertain significance (3). Last evaluated 2026-01-12.

Conditions:
Hereditary hemorrhagic telangiectasia (HHT). Also called: ORW DISEASE; Osler Weber Rendu syndrome; OSLER-RENDU-WEBER DISEASE; Osler hemorrhagic telangiectasia syndrome. Identifiers: Orphanet 774, MedGen C0039445, MONDO:0019180. Disease mechanism: loss of function.
Cardiovascular phenotype. Identifiers: MedGen CN230736.
Telangiectasia, hereditary hemorrhagic, type 1 (HHT1). Also called: Osler Weber Rendu syndrome type 1; ENG-Related Hereditary Hemorrhagic Telangiectasia. Identifiers: Orphanet 774, MedGen C4551861, MONDO:0008535, OMIM 187300. Disease mechanism: loss of function.

Allele frequency attached by ClinVar (database versions not stated): gnomAD exomes 0.00001.
gnomAD v4.1: 9 of 1,613,988 alleles (0.00056%); highest among the groups gnomAD compares: South Asian, 0.0033%; no homozygotes.

Submissions (3):

Ambry Genetics
Classification: Uncertain significance for Cardiovascular phenotype. Last evaluated: 2026-01-12. Review status: criteria provided, single submitter. Criteria: Ambry Variant Classification Scheme 2023. Collection method: clinical testing. Allele origin: germline.
Comment: The p.Y120C variant (also known as c.359A>G), located in coding exon 3 of the ENG gene, results from an A to G substitution at nucleotide position 359. The tyrosine at codon 120 is replaced by cysteine, an amino acid with highly dissimilar properties. This amino acid position is conserved. In addition, this alteration is predicted to be tolerated by in silico analysis. Based on the available evidence, the clinical significance of this variant remains unclear.

Fulgent Genetics
Classification: Uncertain significance for Telangiectasia, hereditary hemorrhagic, type 1. Last evaluated: 2024-02-21. Review status: criteria provided, single submitter. Criteria: ACMG Guidelines, 2015. Collection method: clinical testing. Allele origin: germline.

Labcorp Genetics (formerly Invitae), Labcorp
Classification: Uncertain significance for Hereditary hemorrhagic telangiectasia. Last evaluated: 2023-10-27. Review status: criteria provided, single submitter. Criteria: Invitae Variant Classification Sherloc (09022015). Collection method: clinical testing. Allele origin: germline.
Comment: This sequence change replaces tyrosine, which is neutral and polar, with cysteine, which is neutral and slightly polar, at codon 120 of the ENG protein (p.Tyr120Cys). This variant is present in population databases (no rsID available, gnomAD 0.0009%). This variant has not been reported in the literature in individuals affected with ENG-related conditions. ClinVar contains an entry for this variant (Variation ID: 2090172). An algorithm developed to predict the effect of missense changes on protein structure and function (PolyPhen-2) suggests that this variant is likely to be disruptive. In summary, the available evidence is currently insufficient to determine the role of this variant in disease. Therefore, it has been classified as a Variant of Uncertain Significance.

NM_001114753.3(ENG):c.359A>G (p.Tyr120Cys)

Gene: ENG (endoglin; minus strand). Cytogenetic location: 9q34.11.
Variant type: single nucleotide variant.
Coding change: c.359A>G on transcript NM_001114753.3 (MANE Select); coding-DNA position 359, A replaced by G.
Protein change: p.Tyr120Cys; replaces tyrosine 120 with cysteine.
Molecular consequence: missense variant. On other transcripts: 5 prime UTR variant (1).
Genome position (GRCh38, 1-based): chr9:127,829,688, T>C on the plus strand (A>G on the coding strand, the complement: ENG is on the minus strand). VCF-style: chr9-127829688-T-C. GRCh37 (hg19) VCF-style: chr9-130591967-T-C.
Other names: c.359A>G, p.Tyr120Cys (NM_000118.4, NM_001406715.1); c.-188A>G (NM_001278138.2); c.359A>G (NM_001114753.1); short protein forms Y120C.
Identifiers: ClinVar variation 2090172 (VCV002090172.5), dbSNP rs863223533, ClinGen allele CA324180.